The following is an entry in ClinVar:

ClinVar aggregate classification (germline): Pathogenic (1 of 4 stars; one submission).

Conditions:
Duchenne muscular dystrophy (DMD). Also called: Duchenne Muscular Dystrophy (DMD); MUSCULAR DYSTROPHY, PSEUDOHYPERTROPHIC PROGRESSIVE, DUCHENNE TYPE. Identifiers: Orphanet 98896, MedGen C0013264, MONDO:0010679, OMIM 310200.

Submission:

Labcorp Genetics (formerly Invitae), Labcorp
Classification: Pathogenic for Duchenne muscular dystrophy. Last evaluated: 2022-08-09. Review status: criteria provided, single submitter. Criteria: Invitae Variant Classification Sherloc (09022015). Collection method: clinical testing. Allele origin: germline.
Comment: This variant is a gross deletion of the genomic region encompassing exon(s) 40-43 of the DMD gene. This deletion is out-of-frame, and is expected to create a premature termination codon and result in an absent or disrupted protein product. Loss-of-function variants in DMD are known to be pathogenic (PMID: 16770791, 25007885). This variant has not been reported in the literature in individuals affected with DMD-related conditions. For these reasons, this variant has been classified as Pathogenic.

Literature cited by the submitters: PubMed 16770791; PubMed 25007885.

NC_000023.10:g.(?_32305626)_(32361423_?)del

Gene: DMD (dystrophin; minus strand). Cytogenetic location: Xp21.1.
Variant type: Deletion.
Identifiers: ClinVar variation 2424833 (VCV002424833.4).